The following is an entry in ClinVar:

ClinVar aggregate classification (germline): Uncertain significance (1 of 4 stars; one submission).

Conditions:
Hereditary cancer-predisposing syndrome. Also called: Tumor predisposition; Neoplastic Syndromes, Hereditary; Hereditary Cancer Syndrome; Hereditary neoplastic syndrome. Identifiers: Orphanet 140162, MedGen C0027672, MeSH D009386, MONDO:0015356.

Submission:

Ambry Genetics
Classification: Uncertain significance for Hereditary cancer-predisposing syndrome. Last evaluated: 2024-12-12. Review status: criteria provided, single submitter. Criteria: Ambry Variant Classification Scheme 2023. Collection method: clinical testing. Allele origin: germline.
Comment: The p.E260Q variant (also known as c.778G>C), located in coding exon 5 of the NTHL1 gene, results from a G to C substitution at nucleotide position 778. The glutamic acid at codon 260 is replaced by glutamine, an amino acid with highly similar properties. This amino acid position is conserved. In addition, the in silico prediction for this alteration is inconclusive. Based on the available evidence, the clinical significance of this variant remains unclear.

NM_002528.7(NTHL1):c.754G>C (p.Glu252Gln)

Gene: NTHL1 (nth like DNA glycosylase 1; minus strand). Cytogenetic location: 16p13.3.
Variant type: single nucleotide variant.
Coding change: c.754G>C on transcript NM_002528.7 (MANE Select); coding-DNA position 754, G replaced by C.
Protein change: p.Glu252Gln; replaces glutamic acid 252 with glutamine.
Molecular consequence: missense variant.
Genome position (GRCh38, 1-based): chr16:2,040,170, C>G on the plus strand (G>C on the coding strand, the complement: NTHL1 is on the minus strand). VCF-style: chr16-2040170-C-G. GRCh37 (hg19) VCF-style: chr16-2090171-C-G.
Other names: c.583G>C, p.Glu195Gln (NM_001318193.2); c.424G>C, p.Glu142Gln (NM_001318194.2); short protein forms E142Q, E195Q, E252Q.
Identifiers: ClinVar variation 3881347 (VCV003881347.1).